The following is an entry in ClinVar:

ClinVar aggregate classification (germline): Benign/Likely benign. Review status: criteria provided, multiple submitters, no conflicts (2 of 4 stars). 5 submissions from 5 submitters: Benign (1); Likely benign (3). 1 of the submissions does not count toward it. Last evaluated 2026-01-04.

Conditions:
Hereditary cancer-predisposing syndrome. Also called: Tumor predisposition; Hereditary Cancer Syndrome; Hereditary neoplastic syndrome; Neoplastic Syndromes, Hereditary. Identifiers: Orphanet 140162, MedGen C0027672, MeSH D009386, MONDO:0015356.
Multiple endocrine neoplasia, type 2 (MEN2). Identifiers: Orphanet 653, MedGen C4048306, MONDO:0019003. Disease mechanism: gain of function.
RET-related disorder. Also called: RET-related condition; RET-related disease; RET-related disorders.
Multiple endocrine neoplasia type 2A. Also called: Multiple Endocrine Neoplasia Type 2A (MEN2A); MULTIPLE ENDOCRINE NEOPLASIA, TYPE IIA; PTC SYNDROME; SIPPLE SYNDROME; MEN 2A; MEN-2A syndrome. Identifiers: Orphanet 247698, Orphanet 653, MedGen C0025268, MeSH D018813, MONDO:0008234, OMIM 171400.

Allele frequency attached by ClinVar (database versions not stated): gnomAD 0.00001; gnomAD exomes 0.00001; TOPMed 0.00001; ExAC 0.00002.
gnomAD v4.1: 19 of 1,612,394 alleles (0.0012%); highest among the groups gnomAD compares: Admixed American, 0.0017%; no homozygotes.

Submissions (5):

Labcorp Genetics (formerly Invitae), Labcorp
Classification: Likely benign for Multiple endocrine neoplasia, type 2. Last evaluated: 2026-01-04. Review status: criteria provided, single submitter. Criteria: Invitae Variant Classification Sherloc (09022015). Collection method: clinical testing. Allele origin: germline.

Myriad Genetics, Inc.
Classification: Benign for Multiple endocrine neoplasia type 2A. Last evaluated: 2025-02-26. Review status: criteria provided, single submitter. Criteria: Myriad Autosomal Dominant, Autosomal Recessive and X-Linked Classification Criteria (2023). Collection method: clinical testing. Allele origin: unknown.
Comment: This variant is considered benign. This variant is a silent/synonymous amino acid change and it is not expected to impact splicing.

Color Diagnostics, LLC DBA Color Health
Classification: Likely benign for Multiple endocrine neoplasia, type 2. Last evaluated: 2022-11-06. Review status: criteria provided, single submitter. Criteria: ACMG Guidelines, 2015. Collection method: clinical testing. Allele origin: germline.

Ambry Genetics
Classification: Likely benign for Hereditary cancer-predisposing syndrome. Last evaluated: 2015-11-01. Review status: criteria provided, single submitter. Criteria: Ambry Variant Classification Scheme 2023. Collection method: clinical testing. Allele origin: germline.

PreventionGenetics, part of Exact Sciences
Classification: Likely benign for RET-related condition. Last evaluated: 2019-03-20. Review status: no assertion criteria provided. Collection method: clinical testing. Allele origin: germline. Not counted in ClinVar's aggregate classification.
Comment: This variant is classified as likely benign based on ACMG/AMP sequence variant interpretation guidelines (Richards et al. 2015 PMID: 25741868, with internal and published modifications).

NM_020975.6(RET):c.2079C>G (p.Arg693=)

Gene: RET (ret proto-oncogene; plus strand). Cytogenetic location: 10q11.21.
Variant type: single nucleotide variant.
Coding change: c.2079C>G on transcript NM_020975.6 (MANE Select); coding-DNA position 2079, C replaced by G.
Protein change: p.Arg693=; no amino-acid change (arginine 693 retained).
Molecular consequence: synonymous variant.
Genome position (GRCh38, 1-based): chr10:43,114,679, C>G. VCF-style: chr10-43114679-C-G. GRCh37 (hg19) VCF-style: chr10-43610127-C-G.
Other names: c.894C>G, p.Arg298= (NM_001406790.1, NM_001406788.1, NM_001406789.1); c.774C>G, p.Arg258= (NM_001406791.1); c.630C>G, p.Arg210= (NM_001406792.1, NM_001406793.1, NM_001406794.1); c.2079C>G, p.Arg693= (NM_020629.2, NM_020630.7, NM_000323.2 and 4 more transcripts); c.1317C>G, p.Arg439= (NM_001355216.2); c.1950C>G, p.Arg650= (NM_001406761.1, NM_001406762.1, NM_001406764.1); c.1944C>G, p.Arg648= (NM_001406763.1, NM_001406765.1); c.1791C>G, p.Arg597= (NM_001406766.1, NM_001406767.1, NM_001406770.1); and 10 more.
Identifiers: ClinVar variation 486299 (VCV000486299.20), dbSNP rs747166722, ClinGen allele CA037237.